The following is an entry in ClinVar:

ClinVar aggregate classification (germline): Uncertain significance (1 of 4 stars; one submission).

Submission:

Labcorp Genetics (formerly Invitae), Labcorp
Classification: Uncertain significance. Last evaluated: 2022-05-17. Review status: criteria provided, single submitter. Criteria: Invitae Variant Classification Sherloc (09022015). Collection method: clinical testing. Allele origin: germline.
Comment: In summary, the available evidence is currently insufficient to determine the role of this variant in disease. Therefore, it has been classified as a Variant of Uncertain Significance. Algorithms developed to predict the effect of missense changes on protein structure and function are either unavailable or do not agree on the potential impact of this missense change (SIFT: "Not Available"; PolyPhen-2: "Probably Damaging"; Align-GVGD: "Not Available"). This variant has not been reported in the literature in individuals affected with RIPK1-related conditions. This variant is not present in population databases (gnomAD no frequency). This sequence change replaces leucine, which is neutral and non-polar, with arginine, which is basic and polar, at codon 321 of the RIPK1 protein (p.Leu321Arg).

NM_001354930.2(RIPK1):c.962T>G (p.Leu321Arg)

Gene: RIPK1 (receptor interacting serine/threonine kinase 1; plus strand). Cytogenetic location: 6p25.2.
Variant type: single nucleotide variant.
Coding change: c.962T>G on transcript NM_001354930.2 (MANE Select); coding-DNA position 962, T replaced by G.
Protein change: p.Leu321Arg; replaces leucine 321 with arginine.
Molecular consequence: missense variant.
Genome position (GRCh38, 1-based): chr6:3,104,271, T>G. VCF-style: chr6-3104271-T-G. GRCh37 (hg19) VCF-style: chr6-3104505-T-G.
Other names: c.473T>G, p.Leu158Arg (NM_001317061.3, NM_001354932.2, NM_001354933.2 and 1 more transcripts); c.824T>G, p.Leu275Arg (NM_001354931.2); c.962T>G, p.Leu321Arg (NM_003804.6); short protein forms L321R, L158R, L275R.
Identifiers: ClinVar variation 2068708 (VCV002068708.4), dbSNP rs2533331944, ClinGen allele CA362570156.